The following is an entry in ClinVar:

ClinVar aggregate classification (germline): Likely benign (1 of 4 stars; one submission).

gnomAD v4.1: 9,410 of 1,614,158 alleles (0.58%); highest among the groups gnomAD compares: Non-Finnish European, 0.66%; 64 homozygotes.

Submission:

CeGaT Center for Human Genetics Tuebingen
Classification: Likely benign. Last evaluated: 2026-01-01. Review status: criteria provided, single submitter. Criteria: CeGaT Center For Human Genetics Tuebingen Variant Classification Criteria Version 2. Collection method: clinical testing. Allele origin: germline. Affected: yes. Observed: 3 variant alleles.
Comment: C16orf89: BP4, BS2

NM_001098514.3(C16orf89):c.159G>T (p.Arg53Ser)

Gene: C16orf89 (chromosome 16 open reading frame 89; minus strand). Cytogenetic location: 16p13.3.
Variant type: single nucleotide variant.
Coding change: c.159G>T on transcript NM_001098514.3 (MANE Select); coding-DNA position 159, G replaced by T.
Protein change: p.Arg53Ser; replaces arginine 53 with serine.
Molecular consequence: missense variant.
Genome position (GRCh38, 1-based): chr16:5,065,750, C>A on the plus strand (G>T on the coding strand, the complement: C16orf89 is on the minus strand). VCF-style: chr16-5065750-C-A. GRCh37 (hg19) VCF-style: chr16-5115751-C-A.
Other names: c.159G>T, p.Arg53Ser (NM_152459.5); short protein forms R53S.
Identifiers: ClinVar variation 4083635 (VCV004083635.8).
Genomic context (GRCh38, chr16:5,065,750, plus strand): 5'-GGCTCACTCACCTTCCAGCACTCGGACCCCCACCATGCCATCCAGGTTGATTTCAGGCAG[C>A]CTCTGTTCTAGGAAGACGGTGGCTCTCTCCAGCGCAGACAGGATCAGGTCTGCAATGGTG-3'
Protein context (NP_001091984.2, residues 43-63): LERATVFLEQ[Arg53Ser]LPEINLDGMV